The following is an entry in ClinVar:

ClinVar aggregate classification (germline): Uncertain significance. Review status: criteria provided, multiple submitters, no conflicts (2 of 4 stars). 2 submissions from 2 submitters: Uncertain significance (2). Last evaluated 2024-05-15.

Conditions:
Intellectual developmental disorder, autosomal dominant 1. Also called: Intellectual disability, autosomal dominant 1; MBD5 Haploinsufficiency. Identifiers: Orphanet 228402, MedGen C1969562, MONDO:0007974, OMIM 156200.

Allele frequency attached by ClinVar (database versions not stated): gnomAD exomes below 0.00001 and 0.00001; TOPMed 0.00001; gnomAD 0.00001.
gnomAD v4.1: 10 of 1,613,652 alleles (0.00062%); highest among the groups gnomAD compares: East Asian, 0.0022%; no homozygotes.

Submissions (2):

Labcorp Genetics (formerly Invitae), Labcorp
Classification: Uncertain significance for Intellectual developmental disorder, autosomal dominant 1. Last evaluated: 2024-05-15. Review status: criteria provided, single submitter. Criteria: Invitae Variant Classification Sherloc (09022015). Collection method: clinical testing. Allele origin: germline.
Comment: This sequence change replaces arginine, which is basic and polar, with cysteine, which is neutral and slightly polar, at codon 461 of the MBD5 protein (p.Arg461Cys). This variant is present in population databases (rs796052709, gnomAD 0.006%). This variant has not been reported in the literature in individuals affected with MBD5-related conditions. ClinVar contains an entry for this variant (Variation ID: 1368801). Advanced modeling of protein sequence and biophysical properties (such as structural, functional, and spatial information, amino acid conservation, physicochemical variation, residue mobility, and thermodynamic stability) has been performed at Invitae for this missense variant, however the output from this modeling did not meet the statistical confidence thresholds required to predict the impact of this variant on MBD5 protein function. In summary, the available evidence is currently insufficient to determine the role of this variant in disease. Therefore, it has been classified as a Variant of Uncertain Significance.

Neuberg Centre For Genomic Medicine, NCGM
Classification: Uncertain significance for Intellectual developmental disorder, autosomal dominant 1. Review status: criteria provided, single submitter. Criteria: ACMG Guidelines, 2015. Collection method: clinical testing. Allele origin: germline. Inheritance: Autosomal dominant inheritance. Affected: yes.
Comment: The missense variant c.1381C>T (p.Arg461Cys) in MBD5 gene has not been reported previously as a pathogenic variant nor as a benign variant, to our knowledge. This variant has been reported to the ClinVar database as Uncertain Significance. The p.Arg461Cys variant is reported with allele frequency of 0.0004% in gnomAD exomes and novel in 1000 Genomes. The amino acid Arg at position 461 is changed to a Cys changing protein sequence and it might alter its composition and physico-chemical properties. The amino acid change p.Arg461Cys in MBD5 is predicted as conserved by GERP++ and PhyloP across 100 vertebrates. For these reasons, this variant has been classified as Uncertain Significance .

NM_001378120.1(MBD5):c.1381C>T (p.Arg461Cys)

Gene: MBD5 (methyl-CpG binding domain protein 5; plus strand). Cytogenetic location: 2q23.1.
Variant type: single nucleotide variant.
Coding change: c.1381C>T on transcript NM_001378120.1 (MANE Select); coding-DNA position 1381, C replaced by T.
Protein change: p.Arg461Cys; replaces arginine 461 with cysteine.
Molecular consequence: missense variant.
Genome position (GRCh38, 1-based): chr2:148,469,324, C>T. VCF-style: chr2-148469324-C-T. GRCh37 (hg19) VCF-style: chr2-149226893-C-T.
Other names: c.1381C>T, p.Arg461Cys (NM_018328.5); short protein forms R461C.
Identifiers: ClinVar variation 1368801 (VCV001368801.7), dbSNP rs796052709, ClinGen allele CA315796.